The following is an entry in ClinVar:

NM_152419.3(HGSNAT):c.851+10C>T

Gene: HGSNAT (heparan-alpha-glucosaminide N-acetyltransferase; plus strand). Cytogenetic location: 8p11.21.
Variant type: single nucleotide variant.
Coding change: c.851+10C>T on transcript NM_152419.3 (MANE Select); 10 bases into the intron after coding-DNA position 851, C replaced by T.
Molecular consequence: intron variant.
Genome position (GRCh38, 1-based): chr8:43,173,753, C>T. VCF-style: chr8-43173753-C-T. GRCh37 (hg19) VCF-style: chr8-43028896-C-T.
Other names: c.851+10C>T (NM_001363227.2); c.-14+1367C>T (NM_001363229.2); c.820+1367C>T (NM_001363228.2).
Identifiers: ClinVar variation 748962 (VCV000748962.12), dbSNP rs778394235, ClinGen allele CA4736655.

ClinVar aggregate classification (germline): Conflicting classifications of pathogenicity. Review status: criteria provided, conflicting classifications (1 of 4 stars). 4 submissions from 4 submitters: Uncertain significance (1); Likely benign (2). 1 of the submissions does not count toward it. Last evaluated 2026-01-24.

Conditions:
Mucopolysaccharidosis, MPS-III-C (MPS3C). Also called: MUCOPOLYSACCHARIDOSIS, TYPE IIIC; mucopolysaccharidosis type 3C; SANFILIPPO SYNDROME C; MPS III C; MPS IIIC (Sanfilippo Syndrome Type C); Mucopolysaccharidosis type IIIC (Sanfilippo C). Identifiers: Orphanet 581, Orphanet 79271, MedGen C0086649, MONDO:0009657, OMIM 252930.
HGSNAT-related disorder. Also called: HGSNAT-related condition.
Retinitis pigmentosa 73 (RP73). Identifiers: Orphanet 791, MedGen C4225287, MONDO:0014687, OMIM 616544.

Allele frequency attached by ClinVar (database versions not stated): TOPMed 0.00001.
gnomAD v4.1: 16 of 1,610,758 alleles (0.00099%); highest among the groups gnomAD compares: Admixed American, 0.0084%; no homozygotes.

Submissions (4):

Labcorp Genetics (formerly Invitae), Labcorp
Classification: Likely benign for Retinitis pigmentosa 73; Mucopolysaccharidosis, MPS-III-C. Last evaluated: 2026-01-24. Review status: criteria provided, single submitter. Criteria: Invitae Variant Classification Sherloc (09022015). Collection method: clinical testing. Allele origin: germline.

PreventionGenetics, part of Exact Sciences
Classification: Likely benign for HGSNAT-related condition. Last evaluated: 2025-12-01. Review status: criteria provided, single submitter. Criteria: ACMG Guidelines, 2015. Collection method: clinical testing. Allele origin: germline.
Comment: This variant is classified as likely benign based on ACMG/AMP sequence variant interpretation guidelines (Richards et al. 2015 PMID: 25741868, with internal and published modifications).

Illumina Laboratory Services, Illumina
Classification: Uncertain significance for Mucopolysaccharidosis, MPS-III-C. Last evaluated: 2017-04-27. Review status: criteria provided, single submitter. Criteria: ICSL Variant Classification Criteria 13 December 2019. Collection method: clinical testing. Allele origin: germline.

Natera, Inc.
Classification: Uncertain significance for Mucopolysaccharidosis type IIIC. Last evaluated: 2020-04-14. Review status: no assertion criteria provided. Collection method: clinical testing. Allele origin: germline. Not counted in ClinVar's aggregate classification.